The following is an entry in ClinVar:

ClinVar aggregate classification (germline): Uncertain significance (1 of 4 stars; one submission).

Conditions:
Duchenne muscular dystrophy (DMD). Also called: MUSCULAR DYSTROPHY, PSEUDOHYPERTROPHIC PROGRESSIVE, DUCHENNE TYPE; Duchenne Muscular Dystrophy (DMD). Identifiers: Orphanet 98896, MedGen C0013264, MONDO:0010679, OMIM 310200.

Submission:

Labcorp Genetics (formerly Invitae), Labcorp
Classification: Uncertain significance for Duchenne muscular dystrophy. Last evaluated: 2022-08-09. Review status: criteria provided, single submitter. Criteria: Invitae Variant Classification Sherloc (09022015). Collection method: clinical testing. Allele origin: germline.
Comment: ClinVar contains an entry for this variant (Variation ID: 1401863). This variant, c.4773_4778del, results in the deletion of 2 amino acid(s) of the DMD protein (p.Asp1591_Met1592del), but otherwise preserves the integrity of the reading frame. This variant is not present in population databases (gnomAD no frequency). This variant has been observed in individual(s) with clinical features of Becker/Duchenne muscular dystrophy (Invitae). Experimental studies and prediction algorithms are not available or were not evaluated, and the functional significance of this variant is currently unknown. In summary, the available evidence is currently insufficient to determine the role of this variant in disease. Therefore, it has been classified as a Variant of Uncertain Significance.

NM_004006.3(DMD):c.4773_4778del (p.Asp1591_Met1592del)

Gene: DMD (dystrophin; minus strand). Cytogenetic location: Xp21.1.
Variant type: Deletion.
Coding change: c.4773_4778del on transcript NM_004006.3 (MANE Select); coding-DNA positions 4773 to 4778, 6 bases deleted (TATGGA; older notation c.4773_4778delTATGGA).
Protein change: p.Asp1591_Met1592del.
Molecular consequence: inframe deletion.
Genome position (GRCh38, 1-based): chrX:32,380,577-32,380,582, TCCATA deleted on the plus strand (TATGGA on the coding strand, the reverse complement: DMD is on the minus strand); deleting any 6 consecutive bases within chrX:32,380,577-32,380,584 gives the same sequence; the c. name uses the placement nearest the transcript's 3' end. VCF-style (leftmost placement, unchanged base first): chrX-32380576-TTCCATA-T. GRCh37 (hg19) VCF-style: chrX-32398693-TTCCATA-T.
Other names: c.4749_4754del, p.Asp1583_Met1584del (NM_000109.4); c.4761_4766del, p.Asp1587_Met1588del (NM_004009.3); c.4404_4409del, p.Asp1468_Met1469del (NM_004010.3); c.750_755del, p.Asp250_Met251del (NM_004011.4); c.741_746del, p.Asp247_Met248del (NM_004012.4).
Identifiers: ClinVar variation 1401863 (VCV001401863.6), dbSNP rs2147470879, ClinGen allele CA2573158669.